The following is an entry in ClinVar:

NM_001142864.4(PIEZO1):c.6926+8C>T

Gene: PIEZO1 (piezo type mechanosensitive ion channel component 1 (Er blood group); minus strand). Cytogenetic location: 16q24.3.
Variant type: single nucleotide variant.
Coding change: c.6926+8C>T on transcript NM_001142864.4 (MANE Select); 8 bases into the intron after coding-DNA position 6926, C replaced by T.
Molecular consequence: intron variant.
Genome position (GRCh38, 1-based): chr16:88,716,551, G>A on the plus strand (C>T on the coding strand, the complement: PIEZO1 is on the minus strand). VCF-style: chr16-88716551-G-A. GRCh37 (hg19) VCF-style: chr16-88782959-G-A.
Identifiers: ClinVar variation 3358035 (VCV003358035.1).
Genomic context (GRCh38, chr16:88,716,551, plus strand): 5'-TGGGAACACAGCGTGACCCACTGTAGTGGGTCCACCCACCCAGGCACTGCCCCAAGTCCA[G>A]GACGAACCTCTGGAAGTTCCAGGTGAAGCGCAGGGTGATGTCGGCCGTGCCGTTGTAGAG-3'

ClinVar aggregate classification (germline): Likely benign (0 of 4 stars; one submission).

Conditions:
PIEZO1-related disorder. Also called: PIEZO1-related condition; PIEZO1-Related Disorders.

gnomAD v4.1: 196 of 1,540,736 alleles (0.013%); highest among the groups gnomAD compares: Admixed American, 0.028%; no homozygotes.

Submission:

PreventionGenetics, part of Exact Sciences
Classification: Likely benign for PIEZO1-related condition. Last evaluated: 2024-08-22. Review status: no assertion criteria provided. Collection method: clinical testing. Allele origin: germline.
Comment: This variant is classified as likely benign based on ACMG/AMP sequence variant interpretation guidelines (Richards et al. 2015 PMID: 25741868, with internal and published modifications).